The following is an entry in ClinVar:

NM_001042492.3(NF1):c.61-1G>A

Gene: NF1 (neurofibromin 1; plus strand). Cytogenetic location: 17q11.2.
Variant type: single nucleotide variant.
Coding change: c.61-1G>A on transcript NM_001042492.3 (MANE Select); the canonical splice acceptor site of the intron before coding-DNA position 61, G replaced by A.
Molecular consequence: splice acceptor variant.
Genome position (GRCh38, 1-based): chr17:31,155,982, G>A. VCF-style: chr17-31155982-G-A. GRCh37 (hg19) VCF-style: chr17-29483000-G-A.
Other names: c.61-1G>A (NM_000267.4, NM_001128147.3).
Identifiers: ClinVar variation 943213 (VCV000943213.8), dbSNP rs1263745475, ClinGen allele CA398988000.

ClinVar aggregate classification (germline): Pathogenic. Review status: criteria provided, multiple submitters, no conflicts (2 of 4 stars). 2 submissions from 2 submitters: Pathogenic (2). Last evaluated 2025-04-10.

Conditions:
Neurofibromatosis, type 1 (NF1). Also called: Neurofibromatosis, type I; VON RECKLINGHAUSEN DISEASE; NEUROFIBROMATOSIS, TYPE I, SOMATIC; Peripheral type neurofibromatosis. Identifiers: Orphanet 636, MedGen C0027831, MONDO:0018975, OMIM 162200. Disease mechanism: loss of function.

Submissions (2):

Labcorp Genetics (formerly Invitae), Labcorp
Classification: Pathogenic for Neurofibromatosis, type 1. Last evaluated: 2025-04-10. Review status: criteria provided, single submitter. Criteria: Invitae Variant Classification Sherloc (09022015). Collection method: clinical testing. Allele origin: germline.
Comment: This sequence change affects an acceptor splice site in intron 1 of the NF1 gene. RNA analysis indicates that disruption of this splice site induces altered splicing and may result in an absent or altered protein product. This variant is not present in population databases (gnomAD no frequency). Disruption of this splice site has been observed in individuals with neurofibromatosis type 1 (PMID: 17426081, 22108604). ClinVar contains an entry for this variant (Variation ID: 943213). Studies have shown that disruption of this splice site results in activation of a cryptic splice site, and produces a non-functional protein and/or introduces a premature termination codon (internal data). For these reasons, this variant has been classified as Pathogenic.

Dasa
Classification: Pathogenic. Last evaluated: 2024-05-27. Review status: criteria provided, single submitter. Criteria: DASA Assertion Criteria. Collection method: clinical testing. Allele origin: germline.
Comment: NM_001042492.3(NF1):c.61-1G>A introduces a premature termination codon predicted to result in loss of normal protein function. Loss-of-function is an established mechanism of disease for this gene. This variant has been reported in individuals with related phenotype. The variant is present at low frequency in population datasets. Based on the available data, this variant is classified as pathogenic.

Literature cited by the submitters: PubMed 17426081 (cited by Labcorp Genetics (formerly Invitae), Labcorp); PubMed 22108604 (cited by Labcorp Genetics (formerly Invitae), Labcorp).